The following is an entry in ClinVar:

NM_001079843.3(CASZ1):c.200G>A (p.Ser67Asn)

Gene: CASZ1 (castor zinc finger 1; minus strand). Cytogenetic location: 1p36.22.
Variant type: single nucleotide variant.
Coding change: c.200G>A on transcript NM_001079843.3 (MANE Select); coding-DNA position 200, G replaced by A.
Protein change: p.Ser67Asn; replaces serine 67 with asparagine.
Molecular consequence: missense variant.
Genome position (GRCh38, 1-based): chr1:10,665,388, C>T on the plus strand (G>A on the coding strand, the complement: CASZ1 is on the minus strand). VCF-style: chr1-10665388-C-T. GRCh37 (hg19) VCF-style: chr1-10725445-C-T.
Other names: c.200G>A, p.Ser67Asn (NM_017766.5); short protein forms S67N.
Identifiers: ClinVar variation 4875361 (VCV004875361.2).

ClinVar aggregate classification (germline): Uncertain significance (1 of 4 stars; one submission).

Submission:

CeGaT Center for Human Genetics Tuebingen
Classification: Uncertain significance. Last evaluated: 2026-06-01. Review status: criteria provided, single submitter. Criteria: CeGaT Center For Human Genetics Tuebingen Variant Classification Criteria Version 2. Collection method: clinical testing. Allele origin: germline. Affected: yes. Observed: 1 variant allele.
Comment: CASZ1: PM2